The following is an entry in ClinVar:

ClinVar aggregate classification (germline): Uncertain significance. Review status: criteria provided, multiple submitters, no conflicts (2 of 4 stars). 2 submissions from 2 submitters: Uncertain significance (2). Last evaluated 2023-03-09.

Conditions:
Marfan syndrome (MFS). Also called: MARFAN SYNDROME, TYPE I; FBN1-Related Marfan Syndrome; Marfan syndrome type 1; Marfan's syndrome; Marfan syndrome, classic. Identifiers: Orphanet 284963, Orphanet 558, MedGen C0024796, MONDO:0007947, OMIM 154700.

Allele frequency attached by ClinVar (database versions not stated): gnomAD exomes below 0.00001.
gnomAD v4.1: 3 of 1,614,096 alleles (0.00019%); highest among the groups gnomAD compares: Non-Finnish European, 0.00025%; no homozygotes.

Submissions (2):

All of Us Research Program, National Institutes of Health
Classification: Uncertain significance for Marfan syndrome. Last evaluated: 2023-03-09. Review status: criteria provided, single submitter. Criteria: ACMG Guidelines, 2015. Collection method: clinical testing. Allele origin: germline. Inheritance: Autosomal dominant inheritance. Observed: 1 variant allele, 1 heterozygote.
Comment: This missense variant replaces glycine with serine at codon 1397 of the FBN1 protein. Computational prediction suggests that this variant may have deleterious impact on protein structure and function (internally defined REVEL score threshold >= 0.7, PMID: 27666373). To our knowledge, functional studies have not been reported for this variant. This variant has not been reported in individuals affected with FBN1-related disorders in the literature. This variant has not been identified in the general population by the Genome Aggregation Database (gnomAD). The available evidence is insufficient to determine the role of this variant in disease conclusively. Therefore, this variant is classified as a Variant of Uncertain Significance.

This study involves interpretation of variants in research participants for the purpose of population health screening. Participant phenotype was not available at the time of variant classification. Additional details can be found in publication PMID: 35346344, PMCID: PMC8962531

GeneDx
Classification: Uncertain significance. Last evaluated: 2023-01-19. Review status: criteria provided, single submitter. Criteria: GeneDx Variant Classification Process June 2021. Collection method: clinical testing. Allele origin: germline. Affected: yes.
Comment: Has not been previously published as pathogenic or benign to our knowledge; Not observed at significant frequency in large population cohorts (gnomAD); Although located in a calcium-binding EGF-like domain of the FBN1 gene, it does not affect a cysteine residue within this domain; cysteine substitutions in the calcium-binding EGF-like domains represent the majority of pathogenic missense changes associated with FBN1-related disorders (Collod-Beroud et al., 2003); In silico analysis supports that this missense variant has a deleterious effect on protein structure/function

NM_000138.5(FBN1):c.4189G>A (p.Gly1397Ser)

Gene: FBN1 (fibrillin 1; minus strand). Cytogenetic location: 15q21.1.
Variant type: single nucleotide variant.
Coding change: c.4189G>A on transcript NM_000138.5 (MANE Select); coding-DNA position 4189, G replaced by A.
Protein change: p.Gly1397Ser; replaces glycine 1397 with serine.
Molecular consequence: missense variant.
Genome position (GRCh38, 1-based): chr15:48,474,276, C>T on the plus strand (G>A on the coding strand, the complement: FBN1 is on the minus strand). VCF-style: chr15-48474276-C-T. GRCh37 (hg19) VCF-style: chr15-48766473-C-T.
Other names: c.4189G>A, p.Gly1397Ser (NM_001406716.1); short protein forms G1397S.
Identifiers: ClinVar variation 2573965 (VCV002573965.2), dbSNP rs2505517403, ClinGen allele CA392320003.